The following continues an entry in ClinVar:

NM_001370658.1(BTD):c.1308A>C (p.Gln436His)

Gene: BTD. ClinVar aggregate classification (germline): Pathogenic/Likely pathogenic. Pathogenic (28); Likely pathogenic (3).

Submissions 12 to 30 of 37:

Fulgent Genetics
Classification: Pathogenic for Biotinidase deficiency. Last evaluated: 2024-05-17. Review status: criteria provided, single submitter. Criteria: ACMG Guidelines, 2015. Collection method: clinical testing. Allele origin: germline.

Baylor Genetics
Classification: Pathogenic for Biotinidase deficiency. Last evaluated: 2024-03-21. Review status: criteria provided, single submitter. Criteria: ACMG Guidelines, 2015. Collection method: clinical testing. Allele origin: unknown.

Laboratory of Medical Genetics, National & Kapodistrian University of Athens
Classification: Pathogenic for Biotinidase deficiency. Last evaluated: 2024-02-01. Review status: criteria provided, single submitter. Criteria: ACMG Guidelines, 2015. Collection method: curation. Allele origin: germline. Affected: no.

Department of Pathology and Laboratory Medicine, Sinai Health System
Classification: Pathogenic for Biotinidase deficiency. Last evaluated: 2023-07-25. Review status: criteria provided, single submitter. Criteria: ACMG Guidelines, 2015. Collection method: research. Allele origin: germline.

Revvity Omics, Revvity
Classification: Pathogenic for Biotinidase deficiency. Last evaluated: 2023-05-25. Review status: criteria provided, single submitter. Criteria: ACMG Guidelines, 2015. Collection method: clinical testing. Allele origin: germline.

Women's Health and Genetics/Laboratory Corporation of America, LabCorp
Classification: Pathogenic for Biotinidase deficiency. Last evaluated: 2023-03-16. Review status: criteria provided, single submitter. Criteria: LabCorp Variant Classification Summary - May 2015. Collection method: clinical testing. Allele origin: germline.
Comment: Variant summary: BTD c.1308A>C (p.Gln436His) results in a non-conservative amino acid change in the encoded protein sequence. Five of five in-silico tools predict a damaging effect of the variant on protein function. The variant allele was found at a frequency of 0.00041 in 251420 control chromosomes. This frequency is not significantly higher than estimated for a pathogenic variant in BTD causing Biotinidase Deficiency (0.00041 vs 0.0046), allowing no conclusion about variant significance. c.1308A>C has been reported in the literature in multiple individuals affected with Biotinidase Deficiency (e.g. Norrgard_1997, Wolf_2017). These data indicate that the variant is very likely to be associated with disease. Multiple publications report that biotinase activity in patients carrying this variant or in mutant plasmid has <20% of normal activity (e.g. Norrgard_1997, Wolf_2017, Liu_2018). 19 clinical diagnostic laboratories have submitted clinical-significance assessments for this variant to ClinVar after 2014 without evidence for independent evaluation, with 18 submitters classifying the variant as likely pathogenic/pathogenic. Based on the evidence outlined above, the variant was classified as pathogenic.

MGZ Medical Genetics Center
Classification: Likely pathogenic for Biotinidase deficiency. Last evaluated: 2022-06-15. Review status: criteria provided, single submitter. Criteria: ACMG Guidelines, 2015. Collection method: clinical testing. Allele origin: germline. Affected: yes. Observed: 2 variant alleles.
Comment: ACMG criteria applied: PS3, PM3, PM2_SUP, PP3

Genetics and Molecular Pathology, SA Pathology
Classification: Pathogenic for Biotinidase deficiency. Last evaluated: 2022-03-24. Review status: criteria provided, single submitter. Criteria: ACMG Guidelines, 2015. Collection method: clinical testing. Allele origin: germline.
Comment: The p.(Gln456His) variant is a well-established pathogenic variant (PMID: 20301497), reported in multiple individuals and classified as pathogenic by multiple laboratories (ClinVar).

Centre of Medical Genetics, University Hospital Muenster
Classification: Pathogenic for Biotinidase deficiency. Last evaluated: 2022-02-08. Review status: criteria provided, single submitter. Criteria: ACMG Guidelines, 2015. Collection method: clinical testing. Allele origin: germline. Affected: yes. Observed: 1 variant allele, 1 compound heterozygote.
Comment: ACMG categories: PS3,PM3,PM7,PP3,PP5,BP1

Laboratorio de Genetica e Diagnostico Molecular, Hospital Israelita Albert Einstein
Classification: Pathogenic for Biotinidase deficiency. Last evaluated: 2022-02-03. Review status: criteria provided, single submitter. Criteria: ACMG Guidelines, 2015. Collection method: clinical testing. Allele origin: germline.
Comment: ACMG classification criteria: PM2, PM3, PP3

Ambry Genetics
Classification: Pathogenic for Inborn genetic diseases. Last evaluated: 2021-07-13. Review status: criteria provided, single submitter. Criteria: Ambry Variant Classification Scheme 2023. Collection method: clinical testing. Allele origin: germline.
Comment: The c.1368A>C (p.Q456H) alteration is located in exon 4 (coding exon 4) of the BTD gene. This alteration results from a A to C substitution at nucleotide position 1368, causing the glutamine (Q) at amino acid position 456 to be replaced by a histidine (H). Based on data from the Genome Aggregation Database (gnomAD) database, the BTD c.1368A>C alteration was observed in 0.04% (115/282806) of total alleles studied, with a frequency of 0.08% (100/129138) in the European (non-Finnish) subpopulation. This mutation has been identified in the homozygous and compound heterozygous states in multiple unrelated patients with biotinidase deficiency (Norrgard, 1999; Pomponio, 2000; Funghini, 2020). The Q456H mutation is the most common BTD mutation ascertained by newborn screening in the United States, having been identified on 28% of alleles of children with profound biotinidase deficiency (Norrgard, 1997). Serum from a patient who was homozygous for the Q456H mutation had greatly reduced quantities of cross-reacting material to anti-biotinidase antibody, profoundly deficient biotinyl-hydrolase activity, and no biotinyl-transferase activity (Norrgard, 1997). The p.Q456H alteration is predicted to be deleterious by in silico analysis. Based on the available evidence, this alteration is classified as pathogenic.

Johns Hopkins Genomics, Johns Hopkins University
Classification: Pathogenic for Biotinidase deficiency. Last evaluated: 2021-06-22. Review status: criteria provided, single submitter. Criteria: ACMG Guidelines, 2015. Collection method: clinical testing. Allele origin: germline.
Comment: This BTD variant (rs80338685) is rare (<0.1%) in a large population dataset (gnomAD: 115/282806 total alleles, 0.04%, no homozygotes) and has an entry in ClinVar. It is a common cause of profound bioitinidase deficiency (less than 10% mean normal activity in serum) when it occurs in a homozygous or compound heterozygous state with another pathogenic BTD variant and is the most common BTD variant identified in children with profound biotinidase deficiency by newborn screening in the United States. This variant has been reported in a compound heterozygous state (in trans) with the complex allele c.[451G>A;1207G>C] in multiple unrelated individuals with profound biotinidase deficiency. We consider c.1308A>C to be pathogenic.

GeneDx
Classification: Pathogenic. Last evaluated: 2020-05-20. Review status: criteria provided, single submitter. Criteria: GeneDx Variant Classification Process June 2021. Collection method: clinical testing. Allele origin: germline. Affected: yes.
Comment: Functional analysis found Q456H is associated with significantly reduced enzyme activity compared to wild-type (Liu et al., 2018); In silico analysis, which includes protein predictors and evolutionary conservation, supports a deleterious effect; This variant is associated with the following publications: (PMID: 26810761, 27329734, 11313766, 9375914, 22975760, 25087612, 9232193, 27657684, 28971021, 9654207, 23644139, 24797656, 10400129, 10801053, 25423671, 29359854, 31980526)

Myriad Genetics, Inc.
Classification: Pathogenic for Biotinidase deficiency. Last evaluated: 2019-11-12. Review status: criteria provided, single submitter. Criteria: Myriad Women's Health Autosomal Recessive and X-Linked Classification Criteria (2019). Collection method: clinical testing. Allele origin: unknown.
Comment: NM_000060.2(BTD):c.1368A>C(Q456H) is classified as pathogenic in the context of biotinidase deficiency. Sources cited for classification include the following: PMID 9232193, 11313766, 22698809, 17185019, 20224900, 23644139 and 26361991. Classification of NM_000060.2(BTD):c.1368A>C(Q456H) is based on the following criteria: This is a well-established pathogenic variant in the literature that has been observed more frequently in patients with clinical diagnoses than in healthy populations. Please note: this variant was assessed in the context of healthy population screening.

Mendelics
Classification: Pathogenic for Biotinidase deficiency. Last evaluated: 2019-05-28. Review status: criteria provided, single submitter. Criteria: Mendelics Assertion Criteria 2017. Collection method: clinical testing. Allele origin: unknown.

Centre for Mendelian Genomics, University Medical Centre Ljubljana
Classification: Pathogenic for Biotinidase deficiency. Last evaluated: 2018-11-08. Review status: criteria provided, single submitter. Criteria: ACMG Guidelines, 2015. Collection method: clinical testing. Allele origin: unknown. Affected: yes.
Comment: This variant was classified as: Pathogenic. The following ACMG criteria were applied in classifying this variant: PS1,PM2,PM3,PP3.

Illumina Laboratory Services, Illumina
Classification: Pathogenic for Biotinidase deficiency. Last evaluated: 2017-08-30. Review status: criteria provided, single submitter. Criteria: ICSL Variant Classification Criteria 09 May 2019. Collection method: clinical testing. Allele origin: germline.
Comment: The BTD c.1368A>C (p.Gln456His) missense variant is described as one of the most common variants in individuals with biotinidase deficiency (Norrgard et al. 1997). The p.Gln456His variant has been reported in at least 16 individuals with partial or profound biotinidase deficiency including two in a homozygous state and 14 in a compound heterozygous state (Norrgard et al. 1997; Thodi et al. 2013; Wolf 2017; Borsatto et al. 2017). The p.Gln456His variant was absent from 632 controls (Norrgard et al. 1997) but is reported at a frequency of 0.00151 in the European American population of the Exome Sequencing Project. Serum from a homozygous individual showed reduced cross reacting material to a polyclonal antibody compared with serum from normal controls, and decreased or no activity of biotinyl-hydrolase and biotinyl-transferase was also observed (Norrgard et al. 1997). Based on the evidence, the p.Gln456His variant is classified as pathogenic for biotinidase deficiency. This variant was observed by ICSL as part of a predisposition screen in an ostensibly healthy population.

Genetic Services Laboratory, University of Chicago
Classification: Pathogenic for Biotinidase deficiency. Last evaluated: 2017-03-24. Review status: criteria provided, single submitter. Criteria: ACMG Guidelines, 2015. Collection method: clinical testing. Allele origin: germline. Affected: yes.

Eurofins Ntd Llc (ga)
Classification: Pathogenic. Last evaluated: 2013-06-11. Review status: criteria provided, single submitter. Criteria: EGL Classification Definitions. Collection method: clinical testing. Allele origin: germline. Observed: 11 variant alleles, 10 heterozygotes, 1 homozygote.